The following is an entry in ClinVar:

ClinVar aggregate classification (germline): Pathogenic/Likely pathogenic. Review status: criteria provided, multiple submitters, no conflicts (2 of 4 stars). 3 submissions from 3 submitters: Pathogenic (2); Likely pathogenic (1). Last evaluated 2024-07-22.

Conditions:
Hereditary cancer-predisposing syndrome. Also called: Neoplastic Syndromes, Hereditary; Hereditary neoplastic syndrome; Hereditary Cancer Syndrome; Tumor predisposition. Identifiers: Orphanet 140162, MedGen C0027672, MeSH D009386, MONDO:0015356.
Familial adenomatous polyposis 1 (FAP1). Also called: FAMILIAL ADENOMATOUS POLYPOSIS 1, ATTENUATED; POLYPOSIS, ADENOMATOUS INTESTINAL. Identifiers: MedGen C2713442, MONDO:0021056, OMIM 175100. Disease mechanism: loss of function.

Submissions (3):

GeneDx
Classification: Likely pathogenic. Last evaluated: 2024-07-22. Review status: criteria provided, single submitter. Criteria: GeneDx Variant Classification Process June 2021. Collection method: clinical testing. Allele origin: germline. Affected: yes.
Comment: Frameshift variant predicted to result in protein truncation in a gene for which loss-of-function is a known mechanism of disease; Not observed at significant frequency in large population cohorts (gnomAD); Has not been previously published as pathogenic or benign to our knowledge

Myriad Genetics, Inc.
Classification: Pathogenic for Familial adenomatous polyposis 1. Last evaluated: 2023-05-16. Review status: criteria provided, single submitter. Criteria: Myriad Autosomal Dominant, Autosomal Recessive and X-Linked Classification Criteria (2023). Collection method: clinical testing. Allele origin: unknown.
Comment: This variant is considered pathogenic. This variant creates a frameshift predicted to result in premature protein truncation.

Ambry Genetics
Classification: Pathogenic for Hereditary cancer-predisposing syndrome. Last evaluated: 2019-03-20. Review status: criteria provided, single submitter. Criteria: Ambry Variant Classification Scheme 2023. Collection method: clinical testing. Allele origin: germline.
Comment: The c.7143_7146delAACA variant, located in coding exon 15 of the APC gene, results from a deletion of 4 nucleotides at nucleotide positions 7143 to 7146, causing a translational frameshift with a predicted alternate stop codon (p.T2382Vfs*19). This alteration is expected to result in loss of function by premature protein truncation or nonsense-mediated mRNA decay. As such, this alteration is interpreted as a disease-causing mutation.

NM_000038.6(APC):c.7143_7146del (p.Thr2382fs)

Gene: APC (APC regulator of Wnt signaling pathway; plus strand). Cytogenetic location: 5q22.2.
Variant type: Microsatellite.
Coding change: c.7143_7146del on transcript NM_000038.6 (MANE Select); coding-DNA positions 7143 to 7146, 4 bases deleted (AACA; older notation c.7143_7146delAACA).
Protein change: p.Thr2382fs; shifts the reading frame from threonine 2382.
Molecular consequence: frameshift variant.
Genome position (GRCh38, 1-based): chr5:112,842,737-112,842,740, AACA deleted; deleting any 4 consecutive bases within chr5:112,842,731-112,842,740 gives the same sequence; the c. name uses the placement nearest the transcript's 3' end. VCF-style (leftmost placement, unchanged base first): chr5-112842730-CCAAA-C. GRCh37 (hg19) VCF-style: chr5-112178427-CCAAA-C.
Other names: c.7143_7146del, p.Thr2382fs (NM_001127510.3, NM_001354895.2); c.7089_7092del, p.Thr2364fs (NM_001127511.3); c.7197_7200del, p.Thr2400fs (NM_001354896.2); c.7173_7176del, p.Thr2392fs (NM_001354897.2); c.7068_7071del, p.Thr2357fs (NM_001354898.2); c.7059_7062del, p.Thr2354fs (NM_001354899.2); c.7020_7023del, p.Thr2341fs (NM_001354900.2); c.6966_6969del, p.Thr2323fs (NM_001354901.2); and 7 more; short protein forms T2323fs, T2099fs, T2222fs, T2281fs, T2291fs, T2357fs, T2400fs, T2256fs.
Identifiers: ClinVar variation 265637 (VCV000265637.9), dbSNP rs886039687, ClinGen allele CA10588388.
Genomic context (GRCh38, chr5:112,842,730, plus strand): 5'-CAGGTTCTGGAAAAATGTCATATACATCTCCAGGTAGACAGATGAGCCAACAGAACCTTA[CCAAA>C]CAAACAGGTTTATCCAAGAATGCCAGTAGTATTCCAAGAAGTGAGTCTGCCTCCAAAGGA-3'